The following is an entry in ClinVar:

ClinVar aggregate classification (germline): Conflicting classifications of pathogenicity. Review status: criteria provided, conflicting classifications (1 of 4 stars). 5 submissions from 5 submitters: Uncertain significance (3); Likely benign (1). 1 of the submissions does not count toward it. Last evaluated 2026-06-01.

Conditions:
Inborn genetic diseases. Identifiers: MedGen C0950123, MeSH D030342.
Autosomal dominant childhood-onset proximal spinal muscular atrophy with contractures (SMALED2A). Also called: SPINAL MUSCULAR ATROPHY, LOWER EXTREMITY-PREDOMINANT, 2A, CHILDHOOD ONSET, AUTOSOMAL DOMINANT; Spinal muscular atrophy, lower extremity-predominant, 2A, autosomal dominant. Identifiers: Orphanet 363447, Orphanet 363454, MedGen C4747715, MONDO:0014121, OMIM 615290.

Allele frequency attached by ClinVar (database versions not stated): gnomAD 0.00002 and 0.00003; TOPMed 0.00003; gnomAD exomes 0.00004 and 0.00008; ESP Exome Variant Server 0.00008; ExAC 0.00011.
gnomAD v4.1: 58 of 1,611,002 alleles (0.0036%); highest among the groups gnomAD compares: Middle Eastern, 0.016%; no homozygotes.

Submissions (5):

CeGaT Center for Human Genetics Tuebingen
Classification: Uncertain significance. Last evaluated: 2026-06-01. Review status: criteria provided, single submitter. Criteria: CeGaT Center For Human Genetics Tuebingen Variant Classification Criteria Version 2. Collection method: clinical testing. Allele origin: germline. Affected: yes. Observed: 1 variant allele.
Comment: BICD2: PP2, BP4

GeneDx
Classification: Uncertain significance. Last evaluated: 2026-03-09. Review status: criteria provided, single submitter. Criteria: GeneDx Variant Classification Process June 2021. Collection method: clinical testing. Allele origin: germline.
Comment: Observed in both a homozygous and heterozygous state in siblings with joint contractures and multiple congenital anomalies who also harbored other variants related to the phenotype (PMID: 26752647); In silico analysis supports that this missense variant has a deleterious effect on protein structure/function; This variant is associated with the following publications: (PMID: 28166811, 26752647)

Labcorp Genetics (formerly Invitae), Labcorp
Classification: Likely benign for Autosomal dominant childhood-onset proximal spinal muscular atrophy with contractures. Last evaluated: 2025-08-14. Review status: criteria provided, single submitter. Criteria: Invitae Variant Classification Sherloc (09022015). Collection method: clinical testing. Allele origin: germline.

Ambry Genetics
Classification: Uncertain significance for Inborn genetic diseases. Last evaluated: 2020-05-13. Review status: criteria provided, single submitter. Criteria: Ambry Variant Classification Scheme 2023. Collection method: clinical testing. Allele origin: germline.
Comment: The p.R493C variant (also known as c.1477C>T), located in coding exon 5 of the BICD2 gene, results from a C to T substitution at nucleotide position 1477. The arginine at codon 493 is replaced by cysteine, an amino acid with highly dissimilar properties. This variant has been detected in heterozygous or homozygous state in two members of a family affected with arthrogryposis, developmental delay, and multiple congenital anomalies (Bayram Y et al. J. Clin. Invest., 2016 Feb;126:762-78). However, these individuals were also carriers of a pathogenic variant in another gene and therefore the contribution of this BICD2 variant towards the disease phenotype is uncertain. This amino acid position is poorly conserved in available vertebrate species. In addition, this alteration is predicted to be tolerated by in silico analysis. Since supporting evidence is limited at this time, the clinical significance of this alteration remains unclear.

Lupski Lab, Baylor-Hopkins CMG, Baylor College of Medicine
Classification: Uncertain significance for Autosomal dominant childhood-onset proximal spinal muscular atrophy with contractures. Review status: no assertion criteria provided. Collection method: research. Allele origin: inherited. Inheritance: Autosomal recessive inheritance. Affected: yes. Observed: 3 variant alleles, 2 heterozygotes, 1 homozygote. Not counted in ClinVar's aggregate classification.

Literature cited by the submitters: PubMed 26752647 (cited by Ambry Genetics and Lupski Lab, Baylor-Hopkins CMG, Baylor College of Medicine).

NM_001003800.2(BICD2):c.1477C>T (p.Arg493Cys)

Gene: BICD2 (BICD cargo adaptor 2; minus strand). Cytogenetic location: 9q22.31.
Variant type: single nucleotide variant.
Coding change: c.1477C>T on transcript NM_001003800.2 (MANE Select); coding-DNA position 1477, C replaced by T.
Protein change: p.Arg493Cys; replaces arginine 493 with cysteine.
Molecular consequence: missense variant.
Genome position (GRCh38, 1-based): chr9:92,719,168, G>A on the plus strand (C>T on the coding strand, the complement: BICD2 is on the minus strand). VCF-style: chr9-92719168-G-A. GRCh37 (hg19) VCF-style: chr9-95481450-G-A.
Other names: c.1477C>T, p.Arg493Cys (NM_015250.4); short protein forms R493C.
Identifiers: ClinVar variation 541283 (VCV000541283.18), dbSNP rs146113445, ClinGen allele CA5126547.